The following is an entry in ClinVar:

ClinVar aggregate classification (germline): Pathogenic/Likely pathogenic. Review status: criteria provided, multiple submitters, no conflicts (2 of 4 stars). 5 submissions from 5 submitters: Pathogenic (3); Likely pathogenic (2). Last evaluated 2025-09-30.

Conditions:
Optic atrophy 5 (OPA5). Identifiers: Orphanet 98673, MedGen C1853139, MONDO:0012543, OMIM 610708.
Encephalopathy, lethal, due to defective mitochondrial peroxisomal fission 1. Also called: Lethal Encephalopathy Due To Defective Mitochondrial Peroxisomal Fission. Identifiers: Orphanet 330050, MedGen C3280660, MONDO:0013726, OMIM 614388.
DNM1L-related disorder. Also called: DNM1L-related condition.

Submissions (5):

GeneDx
Classification: Pathogenic. Last evaluated: 2025-09-30. Review status: criteria provided, single submitter. Criteria: GeneDx Variant Classification Process June 2021. Collection method: clinical testing. Allele origin: germline. Affected: yes.
Comment: Not observed at significant frequency in large population cohorts (gnomAD); In silico analysis supports that this missense variant has a deleterious effect on protein structure/function; This variant is associated with the following publications: (PMID: 33057194, 35982159, 31216405, 30850373, 33644862)

Blueprint Genetics
Classification: Likely pathogenic for DNM1L-related disorders. Last evaluated: 2024-06-13. Review status: criteria provided, single submitter. Criteria: ACMG Guidelines, 2015. Collection method: clinical testing. Allele origin: germline. Affected: yes. Observed: 2 variant alleles.

Labcorp Genetics (formerly Invitae), Labcorp
Classification: Pathogenic. Last evaluated: 2024-02-05. Review status: criteria provided, single submitter. Criteria: Invitae Variant Classification Sherloc (09022015). Collection method: clinical testing. Allele origin: germline.
Comment: This sequence change replaces tyrosine, which is neutral and polar, with cysteine, which is neutral and slightly polar, at codon 691 of the DNM1L protein (p.Tyr691Cys). This variant is not present in population databases (gnomAD no frequency). This missense change has been observed in individual(s) with clinical features of autosomal dominant DNM1L-related conditions (PMID: 30850373, 33644862; Invitae). In at least one individual the variant was observed to be de novo. ClinVar contains an entry for this variant (Variation ID: 619028). An algorithm developed to predict the effect of missense changes on protein structure and function (PolyPhen-2) suggests that this variant is likely to be disruptive. Experimental studies have shown that this missense change affects DNM1L function (PMID: 30850373). For these reasons, this variant has been classified as Pathogenic.

Wangler Lab, Baylor College of Medicine
Classification: Pathogenic for Encephalopathy, lethal, due to defective mitochondrial peroxisomal fission 1. Last evaluated: 2019-02-14. Review status: criteria provided, single submitter. Criteria: Assia Batzir et al. (Cold Spring Harb Mol Case Stud. 2019). Collection method: clinical testing, in vivo. Allele origin: de novo, not applicable. Inheritance: Autosomal dominant inheritance. Affected: yes. Observed: 1 heterozygote. Functional consequence: Decreased function.
Comment: Functional studies in Drosophila demonstrate large, abnormally-distributed peroxisomes and mitochondria, an effect very similar to that of middle-domain missense alleles observed in pediatric subjects with EMPF1. To our knowledge, not only is this the first report of a disease-causing variant in the GED domain in humans, but this is also the oldest living individual reported with EMPF1.

Baylor Genetics
Classification: Likely pathogenic for Encephalopathy, lethal, due to defective mitochondrial peroxisomal fission 1; Optic atrophy 5. Last evaluated: 2017-12-31. Review status: criteria provided, single submitter. Criteria: ACMG Guidelines, 2015. Collection method: clinical testing. Allele origin: germline. Affected: yes.

Literature cited by the submitters: PubMed 30850373 (cited by Labcorp Genetics (formerly Invitae), Labcorp); PubMed 33644862 (cited by Labcorp Genetics (formerly Invitae), Labcorp).

NM_012062.5(DNM1L):c.2072A>G (p.Tyr691Cys)

Gene: DNM1L (dynamin 1L; plus strand). Cytogenetic location: 12p11.21.
Variant type: single nucleotide variant.
Coding change: c.2072A>G on transcript NM_012062.5 (MANE Select); coding-DNA position 2072, A replaced by G.
Protein change: p.Tyr691Cys; replaces tyrosine 691 with cysteine.
Molecular consequence: missense variant.
Genome position (GRCh38, 1-based): chr12:32,742,666, A>G. VCF-style: chr12-32742666-A-G. GRCh37 (hg19) VCF-style: chr12-32895600-A-G.
Other names: c.2072A>G (NM_012062.3); c.2039A>G, p.Tyr680Cys (NM_001278463.2); c.2111A>G, p.Tyr704Cys (NM_001278464.2); c.2078A>G, p.Tyr693Cys (NM_001278465.2); c.1463A>G, p.Tyr488Cys (NM_001278466.2); c.2000A>G, p.Tyr667Cys (NM_001330380.2); c.1961A>G, p.Tyr654Cys (NM_005690.5); c.1994A>G, p.Tyr665Cys (NM_012063.4); short protein forms Y691C, Y667C, Y680C, Y488C, Y654C, Y704C, Y665C, Y693C.
Identifiers: ClinVar variation 619028 (VCV000619028.14), dbSNP rs1565548029, ClinGen allele CA384365801.
Genomic context (GRCh38, chr12:32,742,666, plus strand): 5'-TGCATTTTTTGGTTAATCATGTGAAAGACACTCTTCAGAGTGAGCTAGTAGGCCAGCTGT[A>G]TAAATCATCCTTATTGGATGATCTTCTGACAGAATCTGAGGACATGGCACAGCGCAGGAA-3'
Protein context (NP_036192.2, residues 681-701): TLQSELVGQL[Tyr691Cys]KSSLLDDLLT